The following is an entry in ClinVar:

NM_006019.4(TCIRG1):c.1554+2T>A

Gene: TCIRG1 (T cell immune regulator 1, ATPase H+ transporting V0 subunit a3; plus strand). Cytogenetic location: 11q13.2.
Variant type: single nucleotide variant.
Coding change: c.1554+2T>A on transcript NM_006019.4 (MANE Select); the canonical splice donor site of the intron after coding-DNA position 1554, T replaced by A.
Molecular consequence: splice donor variant.
Genome position (GRCh38, 1-based): chr11:68,047,974, T>A. VCF-style: chr11-68047974-T-A. GRCh37 (hg19) VCF-style: chr11-67815441-T-A.
Other names: c.660+2T>A (NM_001351059.2); c.906+2T>A (NM_006053.4).
Identifiers: ClinVar variation 852649 (VCV000852649.16), dbSNP rs761918801, ClinGen allele CA6147160.

ClinVar aggregate classification (germline): Pathogenic/Likely pathogenic. Review status: criteria provided, multiple submitters, no conflicts (2 of 4 stars). 7 submissions from 7 submitters: Pathogenic (6); Likely pathogenic (1). Last evaluated 2025-04-24.

Conditions:
TCIRG1-related disorder. Also called: TCIRG1-related condition.
Autosomal recessive osteopetrosis 1. Also called: ALBERS-SCHONBERG DISEASE, AUTOSOMAL RECESSIVE; TCIRG1-Related Autosomal Recessive Osteopetrosis; TCIRG1-Related Osteopetrosis. Identifiers: Orphanet 667, MedGen C1850127, MONDO:0009815, OMIM 259700.
Osteopetrosis. Identifiers: Orphanet 2781, MedGen C0029454, MONDO:0017198, HP:0011002.

Allele frequency attached by ClinVar (database versions not stated): ExAC 0.00002; gnomAD exomes 0.00002 and 0.00003.

Submissions (7):

Natera, Inc.
Classification: Pathogenic for Infantile malignant osteopetrosis. Last evaluated: 2025-04-24. Review status: criteria provided, single submitter. Criteria: Natera Variant Classification Schema (03/2026). Collection method: clinical testing. Allele origin: germline.
Comment: The c.1554+2T>A variant in TCIRG1 is a canonical splice donor site variant predicted to affect pre-mRNA splicing, which may result in an abnormal transcript and altered protein product. This variant is expected to result in nonsense mediated decay, truncation, or a dysfunctional protein product. This variant is rare in the general population with a frequency below the threshold expected for the associated phenotype(s). This variant has been observed in one or more individuals affected with the associated recessive disease, as either homozygous or compound heterozygous with a second variant (PMID: 34753502, 20424301). Given the available evidence, this variant is classified as Pathogenic.

PreventionGenetics, part of Exact Sciences
Classification: Pathogenic for TCIRG1-related condition. Last evaluated: 2025-01-27. Review status: criteria provided, single submitter. Criteria: ACMG Guidelines, 2015. Collection method: clinical testing. Allele origin: germline.
Comment: The TCIRG1 c.1554+2T>A variant is predicted to disrupt the GT donor site and interfere with normal splicing. This variant has been reported in compound heterozygous and homozygous states in multiple individuals with autosomal recessive osteopetrosis (Phadke et al. 2010. PubMed ID: 20424301; Liu et al. 2021. PubMed ID: 34753502). It has also been shown to co-segregate with disease in at least one family (Liu et al. 2021. PubMed ID: 34753502). This variant has also been reported as a single heterozygous variant in another individual with osteopetrosis where a second disease-causing variant was not clearly identified (Sobacchi et al. 2001. PubMed ID: 11532986). This variant is reported in 0.023% of alleles in individuals of South Asian descent in gnomAD. A different splice-altering variant affecting the same canonical donor site (c.1554+2T>C) has also been reported in a pair of siblings with osteopetrosis (Liang et al. 2021. PubMed ID: 34545712). Variants that disrupt the consensus splice donor site in TCIRG1 are expected to be pathogenic. Taken together, the c.1554+2T>A variant is interpreted as pathogenic.

Labcorp Genetics (formerly Invitae), Labcorp
Classification: Pathogenic. Last evaluated: 2023-05-21. Review status: criteria provided, single submitter. Criteria: Invitae Variant Classification Sherloc (09022015). Collection method: clinical testing. Allele origin: germline.
Comment: ClinVar contains an entry for this variant (Variation ID: 852649). Algorithms developed to predict the effect of sequence changes on RNA splicing suggest that this variant may disrupt the consensus splice site. For these reasons, this variant has been classified as Pathogenic. This variant is also known as T9000A (exon 13, +2 donor splice site). This sequence change affects a donor splice site in intron 13 of the TCIRG1 gene. It is expected to disrupt RNA splicing. Variants that disrupt the donor or acceptor splice site typically lead to a loss of protein function (PMID: 16199547), and loss-of-function variants in TCIRG1 are known to be pathogenic (PMID: 10888887, 10942435, 11532986, 19448635). This variant is present in population databases (rs761918801, gnomAD 0.02%). Disruption of this splice site has been observed in individuals with autosomal recessive osteopetrosis (PMID: 11532986, 20424301).

Women's Health and Genetics/Laboratory Corporation of America, LabCorp
Classification: Pathogenic for Osteopetrosis. Last evaluated: 2023-02-07. Review status: criteria provided, single submitter. Criteria: LabCorp Variant Classification Summary - May 2015. Collection method: clinical testing. Allele origin: germline.
Comment: Variant summary: TCIRG1 c.1554+2T>A is located in a canonical splice-site and is predicted to affect mRNA splicing resulting in a significantly altered protein due to either exon skipping, shortening, or inclusion of intronic material. Several computational tools predict a significant impact on normal splicing: Four predict the variant abolishes a canonical 5' splicing donor site. However, these predictions have yet to be confirmed by functional studies. The variant allele was found at a frequency of 2.8e-05 in 250308 control chromosomes. c.1554+2T>A has been reported in the literature in multiple individuals affected with Osteopetrosis (Sobacchi_2001, Phadke_2010, Liu_2021). This inclides at least one individual reported as compound heterozygous with another likely pathogenic truncating variant, and a family showing evidence of cosegregation of the variant with Osteopetrosis. These data indicate that the variant is very likely to be associated with disease. To our knowledge, no experimental evidence demonstrating an impact on protein function has been reported. Two submitters have provided clinical-significance assessments for this variant to ClinVar after 2014, and both classified the variant as pathogenic. Based on the evidence outlined above, the variant was classified as pathogenic.

Baylor Genetics
Classification: Pathogenic for Autosomal recessive osteopetrosis 1. Last evaluated: 2022-11-14. Review status: criteria provided, single submitter. Criteria: ACMG Guidelines, 2015. Collection method: clinical testing. Allele origin: unknown.

Blueprint Genetics
Classification: Likely pathogenic for TCIRG1-related disorders. Last evaluated: 2021-08-16. Review status: criteria provided, single submitter. Criteria: ACMG Guidelines, 2015. Collection method: clinical testing. Allele origin: germline. Affected: yes. Observed: 1 variant allele.

Revvity Omics, Revvity
Classification: Pathogenic for Autosomal recessive osteopetrosis 1. Last evaluated: 2020-11-13. Review status: criteria provided, single submitter. Criteria: ACMG Guidelines, 2015. Collection method: clinical testing. Allele origin: germline.

Literature cited by the submitters: PubMed 34753502 (cited by Natera, Inc. and Women's Health and Genetics/Laboratory Corporation of America, LabCorp); PubMed 20424301 (cited by 3 submitters); PubMed 16199547 (cited by Labcorp Genetics (formerly Invitae), Labcorp); PubMed 10888887 (cited by Labcorp Genetics (formerly Invitae), Labcorp); PubMed 10942435 (cited by Labcorp Genetics (formerly Invitae), Labcorp); PubMed 11532986 (cited by Labcorp Genetics (formerly Invitae), Labcorp and Women's Health and Genetics/Laboratory Corporation of America, LabCorp); PubMed 19448635 (cited by Labcorp Genetics (formerly Invitae), Labcorp).